The following is an entry in ClinVar:

NM_005359.6(SMAD4):c.1591C>G (p.Arg531Gly)

Gene: SMAD4 (SMAD family member 4; plus strand). Cytogenetic location: 18q21.2.
Variant type: single nucleotide variant.
Coding change: c.1591C>G on transcript NM_005359.6 (MANE Select); coding-DNA position 1591, C replaced by G.
Protein change: p.Arg531Gly; replaces arginine 531 with glycine.
Molecular consequence: missense variant.
Genome position (GRCh38, 1-based): chr18:51,078,399, C>G. VCF-style: chr18-51078399-C-G. GRCh37 (hg19) VCF-style: chr18-48604769-C-G.
Other names: c.1591C>G, p.Arg531Gly (NM_001407041.1, NM_001407042.1); short protein forms R531G.
Identifiers: ClinVar variation 1715841 (VCV001715841.5), dbSNP rs766833269, ClinGen allele CA402466106.

ClinVar aggregate classification (germline): Uncertain significance (1 of 4 stars; one submission).

Conditions:
Juvenile polyposis syndrome (JPS). Identifiers: Orphanet 2929, MedGen C0345893, MONDO:0017380, OMIM 174900.

Submission:

Labcorp Genetics (formerly Invitae), Labcorp
Classification: Uncertain significance for Juvenile polyposis syndrome. Last evaluated: 2022-08-09. Review status: criteria provided, single submitter. Criteria: Invitae Variant Classification Sherloc (09022015). Collection method: clinical testing. Allele origin: germline.
Comment: This sequence change replaces arginine, which is basic and polar, with glycine, which is neutral and non-polar, at codon 531 of the SMAD4 protein (p.Arg531Gly). In summary, the available evidence is currently insufficient to determine the role of this variant in disease. Therefore, it has been classified as a Variant of Uncertain Significance. Algorithms developed to predict the effect of missense changes on protein structure and function are either unavailable or do not agree on the potential impact of this missense change (SIFT: "Tolerated"; PolyPhen-2: "Probably Damaging"; Align-GVGD: "Class C0"). This variant has not been reported in the literature in individuals affected with SMAD4-related conditions. This variant is not present in population databases (gnomAD no frequency).